The following is an entry in ClinVar:

NM_020987.5(ANK3):c.6037C>T (p.Pro2013Ser)

Gene: ANK3 (ankyrin 3; minus strand). Cytogenetic location: 10q21.2.
Variant type: single nucleotide variant.
Coding change: c.6037C>T on transcript NM_020987.5 (MANE Select); coding-DNA position 6037, C replaced by T.
Protein change: p.Pro2013Ser; replaces proline 2013 with serine.
Molecular consequence: missense variant. On other transcripts: intron variant (4).
Genome position (GRCh38, 1-based): chr10:60,074,844, G>A on the plus strand (C>T on the coding strand, the complement: ANK3 is on the minus strand). VCF-style: chr10-60074844-G-A. GRCh37 (hg19) VCF-style: chr10-61834602-G-A.
Other names: c.4387+5693C>T (NM_001204403.2); c.4408+5693C>T (NM_001204404.2); c.4405+5693C>T (NM_001320874.2); c.1807+5693C>T (NM_001149.4); short protein forms P2013S.
Identifiers: ClinVar variation 1448218 (VCV001448218.6), dbSNP rs753648576, ClinGen allele CA5511927.

ClinVar aggregate classification (germline): Uncertain significance (1 of 4 stars; one submission).

Allele frequency attached by ClinVar (database versions not stated): gnomAD exomes below 0.00001 and 0.00001; ExAC 0.00001.
gnomAD v4.1: 2 of 1,613,610 alleles (0.00012%); highest among the groups gnomAD compares: Admixed American, 0.0033%; no homozygotes.

Submission:

Labcorp Genetics (formerly Invitae), Labcorp
Classification: Uncertain significance. Last evaluated: 2022-01-14. Review status: criteria provided, single submitter. Criteria: Invitae Variant Classification Sherloc (09022015). Collection method: clinical testing. Allele origin: germline.
Comment: This sequence change replaces proline, which is neutral and non-polar, with serine, which is neutral and polar, at codon 2013 of the ANK3 protein (p.Pro2013Ser). In summary, the available evidence is currently insufficient to determine the role of this variant in disease. Therefore, it has been classified as a Variant of Uncertain Significance. Algorithms developed to predict the effect of missense changes on protein structure and function output the following: SIFT: "Not Available"; PolyPhen-2: "Probably Damaging"; Align-GVGD: "Not Available". The serine amino acid residue is found in multiple mammalian species, which suggests that this missense change does not adversely affect protein function. This variant has not been reported in the literature in individuals affected with ANK3-related conditions. This variant is present in population databases (rs753648576, gnomAD 0.006%).